The following is an entry in ClinVar:

NM_020937.4(FANCM):c.4193A>G (p.Tyr1398Cys)

Gene: FANCM (FA complementation group M; plus strand). Cytogenetic location: 14q21.2.
Variant type: single nucleotide variant.
Coding change: c.4193A>G on transcript NM_020937.4 (MANE Select); coding-DNA position 4193, A replaced by G.
Protein change: p.Tyr1398Cys; replaces tyrosine 1398 with cysteine.
Molecular consequence: missense variant.
Genome position (GRCh38, 1-based): chr14:45,176,947, A>G. VCF-style: chr14-45176947-A-G. GRCh37 (hg19) VCF-style: chr14-45646150-A-G.
Other names: c.4115A>G, p.Tyr1372Cys (NM_001308133.2); short protein forms Y1398C, Y1372C.
Identifiers: ClinVar variation 841310 (VCV000841310.15), dbSNP rs534229547, ClinGen allele CA7169639.

ClinVar aggregate classification (germline): Uncertain significance. Review status: criteria provided, multiple submitters, no conflicts (2 of 4 stars). 3 submissions from 3 submitters: Uncertain significance (3). Last evaluated 2024-12-08.

Conditions:
Fanconi anemia (FA). Also called: Fanconi's anemia. Identifiers: Orphanet 84, MedGen C0015625, MeSH D005199, MONDO:0019391.
Spermatogenic failure 28. Identifiers: MedGen C4748117, MONDO:0054732, OMIM 618086.
Premature ovarian failure 15. Identifiers: MedGen C4748170, MONDO:0054862, OMIM 618096.

Allele frequency attached by ClinVar (database versions not stated): gnomAD 0.00001; gnomAD exomes 0.00001; TOPMed 0.00002; ExAC 0.00003; 1000 Genomes Project 0.00020; 1000 Genomes Project 30x 0.00031.
gnomAD v4.1: 16 of 1,601,770 alleles (0.001%); highest among the groups gnomAD compares: South Asian, 0.0088%; no homozygotes.

Submissions (3):

Labcorp Genetics (formerly Invitae), Labcorp
Classification: Uncertain significance for Fanconi anemia. Last evaluated: 2024-12-08. Review status: criteria provided, single submitter. Criteria: Invitae Variant Classification Sherloc (09022015). Collection method: clinical testing. Allele origin: germline.
Comment: This sequence change replaces tyrosine, which is neutral and polar, with cysteine, which is neutral and slightly polar, at codon 1398 of the FANCM protein (p.Tyr1398Cys). This variant is present in population databases (rs534229547, gnomAD 0.007%). This variant has not been reported in the literature in individuals affected with FANCM-related conditions. ClinVar contains an entry for this variant (Variation ID: 841310). An algorithm developed to predict the effect of missense changes on protein structure and function outputs the following: PolyPhen-2: "Benign". The cysteine amino acid residue is found in multiple mammalian species, which suggests that this missense change does not adversely affect protein function. In summary, the available evidence is currently insufficient to determine the role of this variant in disease. Therefore, it has been classified as a Variant of Uncertain Significance.

GeneDx
Classification: Uncertain significance. Last evaluated: 2024-11-05. Review status: criteria provided, single submitter. Criteria: GeneDx Variant Classification Process June 2021. Collection method: clinical testing. Allele origin: germline. Affected: yes.
Comment: Not observed at significant frequency in large population cohorts (gnomAD); In silico analysis indicates that this missense variant does not alter protein structure/function; Has not been previously published as pathogenic or benign to our knowledge

Fulgent Genetics
Classification: Uncertain significance for Spermatogenic failure 28; Premature ovarian failure 15. Last evaluated: 2022-05-24. Review status: criteria provided, single submitter. Criteria: ACMG Guidelines, 2015. Collection method: clinical testing. Allele origin: unknown.